The following is an entry in ClinVar:

ClinVar aggregate classification (germline): Uncertain significance (1 of 4 stars; one submission).

Conditions:
Hereditary cancer-predisposing syndrome. Also called: Neoplastic Syndromes, Hereditary; Tumor predisposition; Hereditary Cancer Syndrome; Hereditary neoplastic syndrome. Identifiers: Orphanet 140162, MedGen C0027672, MeSH D009386, MONDO:0015356.

Submission:

Ambry Genetics
Classification: Uncertain significance for Hereditary cancer-predisposing syndrome. Last evaluated: 2021-01-07. Review status: criteria provided, single submitter. Criteria: Ambry Variant Classification Scheme 2023. Collection method: clinical testing. Allele origin: germline.
Comment: The c.331_332delCTinsAA variant (also known as p.L111K), located in coding exon 4 of the SDHB gene, results from an in-frame deletion of CT and insertion of AA at nucleotide positions 331 to 332. This results in the substitution of the leucine residue for a lysine residue at codon 111, an amino acid with dissimilar properties. This amino acid position is highly conserved in available vertebrate species. In addition, the in silico prediction for this alteration is inconclusive (Choi Y et al. PLoS ONE. 2012; 7(10):e46688). Since supporting evidence is limited at this time, the clinical significance of this alteration remains unclear.

NM_003000.3(SDHB):c.331_332delinsAA (p.Leu111Lys)

Gene: SDHB (succinate dehydrogenase complex iron sulfur subunit B; minus strand). Cytogenetic location: 1p36.13.
Variant type: Indel.
Coding change: c.331_332delinsAA on transcript NM_003000.3 (MANE Select); coding-DNA positions 331 to 332, CT replaced by AA.
Protein change: p.Leu111Lys; replaces leucine 111 with lysine.
Molecular consequence: missense variant.
Genome position (GRCh38, 1-based): chr1:17,028,691-17,028,692, AG replaced by TT on the plus strand (CT replaced by AA on the coding strand, the reverse complement: SDHB is on the minus strand). VCF-style: chr1-17028691-AG-TT. GRCh37 (hg19) VCF-style: chr1-17355186-AG-TT.
Other names: c.331_332delCTinsAA, p.Leu111Lys (NM_001407361.1); short protein forms L111K.
Identifiers: ClinVar variation 1730080 (VCV001730080.2), dbSNP rs2525020680, ClinGen allele CA2580060619.